The following is an entry in ClinVar:

ClinVar aggregate classification (germline): Likely pathogenic (1 of 4 stars; one submission).

Submission:

Labcorp Genetics (formerly Invitae), Labcorp
Classification: Likely pathogenic. Last evaluated: 2020-10-08. Review status: criteria provided, single submitter. Criteria: Invitae Variant Classification Sherloc (09022015). Collection method: clinical testing. Allele origin: germline.
Comment: This sequence change affects a donor splice site in intron 11 of the USH1C gene. It is expected to disrupt RNA splicing and likely results in an absent or disrupted protein product. This variant is not present in population databases (ExAC no frequency). This variant has not been reported in the literature in individuals with USH1C-related conditions. Algorithms developed to predict the effect of sequence changes on RNA splicing suggest that this variant may disrupt the consensus splice site, but this prediction has not been confirmed by published transcriptional studies. Donor and acceptor splice site variants typically lead to a loss of protein function (PMID: 16199547), and loss-of-function variants in USH1C are known to be pathogenic (PMID: 10973247, 17407589, 20301442, 21203349). In summary, the currently available evidence indicates that the variant is pathogenic, but additional data are needed to prove that conclusively. Therefore, this variant has been classified as Likely Pathogenic.

Literature cited by the submitters: PubMed 16199547; PubMed 10973247; PubMed 17407589; PubMed 20301442; PubMed 21203349.

NM_153676.4(USH1C):c.876+2T>C

Gene: USH1C (USH1 protein network component harmonin; minus strand). Cytogenetic location: 11p15.1.
Variant type: single nucleotide variant.
Coding change: c.876+2T>C on transcript NM_153676.4 (MANE Select); the canonical splice donor site of the intron after coding-DNA position 876, T replaced by C.
Molecular consequence: splice donor variant. On other transcripts: intron variant (1).
Genome position (GRCh38, 1-based): chr11:17,523,209, A>G on the plus strand (T>C on the coding strand, the complement: USH1C is on the minus strand). VCF-style: chr11-17523209-A-G. GRCh37 (hg19) VCF-style: chr11-17544756-A-G.
Other names: c.819+210T>C (NM_001297764.2); c.876+2T>C (NM_005709.4).
Identifiers: ClinVar variation 1066929 (VCV001066929.7), dbSNP rs2133878965, ClinGen allele CA379788792.
Genomic context (GRCh38, chr11:17,523,209, plus strand): 5'-CAAAGGTCAGAGGGGCTGGGGATGAAGGTCAAGGGGCTCCCACCAGCTCATTCTGGACTT[A>G]CAGCTGCAGCTACAATGGAGATGGTCAGGCTGCGGCTACTCTTCAGCACATTTACAGCCT-3'